The following is an entry in ClinVar:

ClinVar aggregate classification (germline): Likely benign. Review status: criteria provided, multiple submitters, no conflicts (2 of 4 stars). 2 submissions from 2 submitters: Likely benign (2). Last evaluated 2025-03-24.

Conditions:
Ataxia-telangiectasia syndrome (AT). Also called: Cerebello-oculocutaneous telangiectasia; Immunodeficiency with ataxia telangiectasia; Ataxia-telangiectasia, complementation group E; Ataxia-telangiectasia, complementation group D; AT, COMPLEMENTATION GROUP C; ATAXIA-TELANGIECTASIA, COMPLEMENTATION GROUP A. Identifiers: Orphanet 100, MedGen C0004135, MONDO:0008840, OMIM 208900.

Submissions (2):

Labcorp Genetics (formerly Invitae), Labcorp
Classification: Likely benign for Ataxia-telangiectasia syndrome. Last evaluated: 2025-03-24. Review status: criteria provided, single submitter. Criteria: Invitae Variant Classification Sherloc (09022015). Collection method: clinical testing. Allele origin: germline.

GeneDx
Classification: Likely benign. Last evaluated: 2017-11-10. Review status: criteria provided, single submitter. Criteria: GeneDx Variant Classification (06012015). Collection method: clinical testing. Allele origin: germline. Affected: yes.
Comment: This variant is considered likely benign or benign based on one or more of the following criteria: it is a conservative change, it occurs at a poorly conserved position in the protein, it is predicted to be benign by multiple in silico algorithms, and/or has population frequency not consistent with disease.

NM_000051.4(ATM):c.8268+17C>T

Genes: ATM (ATM serine/threonine kinase; plus strand), C11orf65 (chromosome 11 open reading frame 65; minus strand). Cytogenetic location: 11q22.3.
Variant type: single nucleotide variant.
Coding change: c.8268+17C>T on transcript NM_000051.4 (MANE Select); 17 bases into the intron after coding-DNA position 8268, C replaced by T.
Molecular consequence: intron variant.
Genome position (GRCh38, 1-based): chr11:108,335,978, C>T. VCF-style: chr11-108335978-C-T. GRCh37 (hg19) VCF-style: chr11-108206705-C-T.
Other names: c.8268+17C>T (NM_001351834.2); c.641-26907G>A (NM_001330368.2); c.695-686G>A (NM_001351110.2).
Identifiers: ClinVar variation 513393 (VCV000513393.3), dbSNP rs1555128698, ClinGen allele CA658797758.